The following is an entry in ClinVar:

NM_000535.7(PMS2):c.1366del (p.Ser456fs)

Gene: PMS2 (PMS1 homolog 2, mismatch repair system component; minus strand). Cytogenetic location: 7p22.1.
Variant type: Deletion.
Coding change: c.1366del on transcript NM_000535.7 (MANE Select); coding-DNA position 1366, one base deleted (T; older notation c.1366delT).
Protein change: p.Ser456fs; shifts the reading frame from serine 456.
Molecular consequence: frameshift variant. On other transcripts: non-coding transcript variant (1).
Genome position (GRCh38, 1-based): chr7:5,987,399, A deleted on the plus strand (T on the coding strand, the reverse complement: PMS2 is on the minus strand); the first of 2 consecutive A bases (chr7:5,987,399-5,987,400); deleting either gives the same sequence. VCF-style (leftmost placement, unchanged base first): chr7-5987398-GA-G. GRCh37 (hg19) VCF-style: chr7-6027029-GA-G.
Other names: c.1366delT (NM_000535.5); c.961del, p.Ser321fs (NM_001322003.2, NM_001322004.2, NM_001322005.2 and 1 more transcripts); c.1210del, p.Ser404fs (NM_001322006.2); c.1048del, p.Ser350fs (NM_001322007.2, NM_001322008.2); c.805del, p.Ser269fs (NM_001322010.2); c.433del, p.Ser145fs (NM_001322011.2, NM_001322012.2); c.793del, p.Ser265fs (NM_001322013.2); c.1366del, p.Ser456fs (NM_001322014.2); and 1 more; short protein forms S269fs, S321fs, S350fs, S404fs, S145fs, S265fs, S353fs, S456fs.
Identifiers: ClinVar variation 662931 (VCV000662931.9), dbSNP rs1583320992, ClinGen allele CA915944869.

ClinVar aggregate classification (germline): Pathogenic/Likely pathogenic. Review status: criteria provided, multiple submitters, no conflicts (2 of 4 stars). 2 submissions from 2 submitters: Pathogenic (1); Likely pathogenic (1). Last evaluated 2022-02-19.

Conditions:
Hereditary nonpolyposis colorectal neoplasms. Identifiers: MedGen C0009405, MeSH D003123.
Lynch syndrome 4 (LYNCH4). Also called: Hereditary non-polyposis colorectal cancer, type 4; Colorectal cancer, hereditary nonpolyposis, type 4. Identifiers: Orphanet 144, MedGen C1838333, MONDO:0013699, OMIM 614337. Disease mechanism: loss of function.

Submissions (2):

Labcorp Genetics (formerly Invitae), Labcorp
Classification: Pathogenic for Hereditary nonpolyposis colorectal neoplasms. Last evaluated: 2022-02-19. Review status: criteria provided, single submitter. Criteria: Invitae Variant Classification Sherloc (09022015). Collection method: clinical testing. Allele origin: germline.
Comment: For these reasons, this variant has been classified as Pathogenic. ClinVar contains an entry for this variant (Variation ID: 662931). This variant has not been reported in the literature in individuals affected with PMS2-related conditions. This variant is not present in population databases (gnomAD no frequency). This sequence change creates a premature translational stop signal (p.Ser456Leufs*13) in the PMS2 gene. It is expected to result in an absent or disrupted protein product. Loss-of-function variants in PMS2 are known to be pathogenic (PMID: 21376568, 24362816).

Baylor Genetics
Classification: Likely pathogenic for Lynch syndrome 4. Last evaluated: 2021-11-30. Review status: criteria provided, single submitter. Criteria: ACMG Guidelines, 2015. Collection method: clinical testing. Allele origin: unknown.

Literature cited by the submitters: PubMed 21376568 (cited by Labcorp Genetics (formerly Invitae), Labcorp); PubMed 24362816 (cited by Labcorp Genetics (formerly Invitae), Labcorp).